The following is an entry in ClinVar:

ClinVar aggregate classification (germline): Uncertain significance (1 of 4 stars; one submission).

Conditions:
Pontocerebellar hypoplasia type 6 (PCH6). Identifiers: Orphanet 166073, MedGen C1969084, MONDO:0012683, OMIM 611523.

Allele frequency attached by ClinVar (database versions not stated): TOPMed below 0.00001.

Submission:

Baylor Genetics
Classification: Uncertain significance for Pontocerebellar hypoplasia type 6. Last evaluated: 2017-09-01. Review status: criteria provided, single submitter. Criteria: ACMG Guidelines, 2015. Collection method: clinical testing. Allele origin: germline. Inheritance: Autosomal recessive inheritance. Affected: yes.

Literature cited by the submitters: PubMed 25326635.

NM_020320.5(RARS2):c.214C>G (p.Leu72Val)

Gene: RARS2 (arginyl-tRNA synthetase 2, mitochondrial; minus strand). Cytogenetic location: 6q15.
Variant type: single nucleotide variant.
Coding change: c.214C>G on transcript NM_020320.5 (MANE Select); coding-DNA position 214, C replaced by G.
Protein change: p.Leu72Val; replaces leucine 72 with valine.
Molecular consequence: missense variant. On other transcripts: 5 prime UTR variant (7), non-coding transcript variant (23).
Genome position (GRCh38, 1-based): chr6:87,562,785, G>C on the plus strand (C>G on the coding strand, the complement: RARS2 is on the minus strand). VCF-style: chr6-87562785-G-C. GRCh37 (hg19) VCF-style: chr6-88272503-G-C.
Other names: c.-256C>G (NM_001318785.2, NM_001350509.2); c.214C>G, p.Leu72Val (NM_001350505.2); c.-312C>G (NM_001350506.2, NM_001350507.2, NM_001350510.2 and 1 more transcripts); c.-474C>G (NM_001350508.2); short protein forms L72V.
Identifiers: ClinVar variation 561096 (VCV000561096.2), dbSNP rs1562212838, ClinGen allele CA364939584.